The following is an entry in ClinVar:

ClinVar aggregate classification (germline): Likely pathogenic (1 of 4 stars; one submission).

Conditions:
Retinal dystrophy. Also called: Inherited retinal dystrophy. Identifiers: Orphanet 71862, MedGen C0854723, MeSH D058499, MONDO:0019118, HP:0000556.

Submission:

Ophthalmic Genetics Group, Institute of Molecular and Clinical Ophthalmology Basel
Classification: Likely pathogenic for Retinal dystrophy. Last evaluated: 2024-05-27. Review status: criteria provided, single submitter. Criteria: ACMG Guidelines, 2015. Collection method: research. Allele origin: germline. Affected: yes. Observed: 3 variant alleles.
Comment: This variant was classified as Likely pathogenic based on ACMG criteria: PVS1_strong, PM2_mod, PM3_mod and PP1_strong

Literature cited by the submitters: PubMed 40180963.

NM_014336.5(AIPL1):c.735_737dup (p.Tyr246Ter)

Gene: AIPL1 (AIP like 1 HSP90 co-chaperone; minus strand). Cytogenetic location: 17p13.2.
Variant type: Duplication.
Coding change: c.735_737dup on transcript NM_014336.5 (MANE Select); coding-DNA positions 735 to 737, 3 bases duplicated (GTA; older notation c.735_737dupGTA).
Protein change: p.Tyr246Ter; replaces tyrosine 246 with a stop codon.
Molecular consequence: nonsense.
Genome position (GRCh38, 1-based): chr17:6,426,662-6,426,664, TAC duplicated on the plus strand (GTA on the coding strand, the reverse complement: AIPL1 is on the minus strand); duplicating any 3 consecutive bases within chr17:6,426,662-6,426,665 gives the same sequence; the c. name uses the placement nearest the transcript's 3' end. VCF-style (leftmost placement, unchanged base first): chr17-6426661-G-GTAC. GRCh37 (hg19) VCF-style: chr17-6329981-G-GTAC.
Other names: NC_000017.10:g.6329983_6329985dup; NP_055151.3:p.(Tyr246Ter); c.546_548dup, p.Tyr183Ter (NM_001033054.3); c.555_557dup, p.Tyr186Ter (NM_001033055.3); c.699_701dup, p.Tyr234Ter (NM_001285399.3); c.669_671dup, p.Tyr224Ter (NM_001285400.3); c.663_665dup, p.Tyr222Ter (NM_001285401.3); c.618_620dup, p.Tyr207Ter (NM_001285402.2); and 1 more; short protein forms Y183*, Y186*, Y207*, Y222*, Y224*, Y234*, Y238*, Y246*.
Identifiers: ClinVar variation 3381779 (VCV003381779.2).